The following is an entry in ClinVar:

NM_000092.5(COL4A4):c.3062G>A (p.Gly1021Asp)

Gene: COL4A4 (collagen type IV alpha 4 chain; minus strand). Cytogenetic location: 2q36.3.
Variant type: single nucleotide variant.
Coding change: c.3062G>A on transcript NM_000092.5 (MANE Select); coding-DNA position 3062, G replaced by A.
Protein change: p.Gly1021Asp; replaces glycine 1021 with aspartic acid.
Molecular consequence: missense variant.
Genome position (GRCh38, 1-based): chr2:227,051,065, C>T on the plus strand (G>A on the coding strand, the complement: COL4A4 is on the minus strand). VCF-style: chr2-227051065-C-T. GRCh37 (hg19) VCF-style: chr2-227915781-C-T.
Other names: short protein forms G1021D.
Identifiers: ClinVar variation 4085398 (VCV004085398.8).

ClinVar aggregate classification (germline): Likely pathogenic (1 of 4 stars; one submission).

gnomAD v4.1: 1 of 1,614,188 alleles (0.000062%); highest among the groups gnomAD compares: South Asian, 0.0011%; no homozygotes.

Submission:

CeGaT Center for Human Genetics Tuebingen
Classification: Likely pathogenic. Last evaluated: 2025-07-01. Review status: criteria provided, single submitter. Criteria: CeGaT Center For Human Genetics Tuebingen Variant Classification Criteria Version 2. Collection method: clinical testing. Allele origin: germline. Affected: yes. Observed: 1 variant allele.
Comment: COL4A4: PM1:Strong, PM2, PP4